The following is an entry in ClinVar:

ClinVar aggregate classification (germline): Uncertain significance (1 of 4 stars; one submission).

Conditions:
Rienhoff syndrome. Also called: LOEYS-DIETZ SYNDROME 5. Identifiers: MedGen C3810012, MONDO:0014262, OMIM 615582.

Submission:

Labcorp Genetics (formerly Invitae), Labcorp
Classification: Uncertain significance for Rienhoff syndrome. Last evaluated: 2024-09-13. Review status: criteria provided, single submitter. Criteria: Invitae Variant Classification Sherloc (09022015). Collection method: clinical testing. Allele origin: germline.
Comment: This sequence change replaces valine, which is neutral and non-polar, with alanine, which is neutral and non-polar, at codon 136 of the TGFB3 protein (p.Val136Ala). This variant is not present in population databases (gnomAD no frequency). This variant has not been reported in the literature in individuals affected with TGFB3-related conditions. Invitae Evidence Modeling of protein sequence and biophysical properties (such as structural, functional, and spatial information, amino acid conservation, physicochemical variation, residue mobility, and thermodynamic stability) indicates that this missense variant is not expected to disrupt TGFB3 protein function with a negative predictive value of 80%. In summary, the available evidence is currently insufficient to determine the role of this variant in disease. Therefore, it has been classified as a Variant of Uncertain Significance.

NM_003239.5(TGFB3):c.407T>C (p.Val136Ala)

Gene: TGFB3 (transforming growth factor beta 3; minus strand). Cytogenetic location: 14q24.3.
Variant type: single nucleotide variant.
Coding change: c.407T>C on transcript NM_003239.5 (MANE Select); coding-DNA position 407, T replaced by C.
Protein change: p.Val136Ala; replaces valine 136 with alanine.
Molecular consequence: missense variant.
Genome position (GRCh38, 1-based): chr14:75,971,664, A>G on the plus strand (T>C on the coding strand, the complement: TGFB3 is on the minus strand). VCF-style: chr14-75971664-A-G. GRCh37 (hg19) VCF-style: chr14-76438007-A-G.
Other names: c.407T>C, p.Val136Ala (NM_001329938.2, NM_001329939.2); short protein forms V136A.
Identifiers: ClinVar variation 3631266 (VCV003631266.2).
Genomic context (GRCh38, chr14:75,971,664, plus strand): 5'-ACCCGCAAGACCCGGAATTCTGCTCGGAATAGGTTGGTTCTATTTTTCTCCACTGAGGAC[A>G]CATTGAAGCGGAAAACCTTGGAGGTAATTCCTTTAGGGCAGACAGCCAGTTCGTCTAGGA-3'
Protein context (NP_003230.1, residues 126-146): GITSKVFRFN[Val136Ala]SSVEKNRTNL